The following is an entry in ClinVar:

NM_006846.4(SPINK5):c.2795G>A (p.Arg932Lys)

Gene: SPINK5 (serine peptidase inhibitor Kazal type 5; plus strand). Cytogenetic location: 5q32.
Variant type: single nucleotide variant.
Coding change: c.2795G>A on transcript NM_006846.4 (MANE Select); coding-DNA position 2795, G replaced by A.
Protein change: p.Arg932Lys; replaces arginine 932 with lysine.
Molecular consequence: missense variant.
Genome position (GRCh38, 1-based): chr5:148,125,778, G>A. VCF-style: chr5-148125778-G-A. GRCh37 (hg19) VCF-style: chr5-147505341-G-A.
Other names: c.2885G>A, p.Arg962Lys (NM_001127698.2); short protein forms R932K, R962K.
Identifiers: ClinVar variation 529165 (VCV000529165.20), dbSNP rs201942775, ClinGen allele CA3496145.

ClinVar aggregate classification (germline): Likely benign. Review status: criteria provided, multiple submitters, no conflicts (2 of 4 stars). 6 submissions from 6 submitters: Likely benign (5). 1 of the submissions does not count toward it. Last evaluated 2026-02-12.

Conditions:
SPINK5-related disorder. Also called: SPINK5-related condition.
Netherton syndrome (NETH). Also called: ERYTHRODERMA, ICHTHYOSIFORM, WITH HYPOTRICHOSIS AND HYPER-IgE; COMEL-NETHERTON SYNDROME; NETHERTON DISEASE. Identifiers: Orphanet 634, MedGen C5574950, MONDO:0009735, OMIM 256500.
Ichthyosis linearis circumflexa. Identifiers: MedGen C0265962, MONDO:0043106, HP:0025810.

Allele frequency attached by ClinVar (database versions not stated): gnomAD exomes 0.00011 and 0.00033; ExAC 0.00051; TOPMed 0.00127; gnomAD 0.00133 and 0.00145; 1000 Genomes Project 0.00140; 1000 Genomes Project 30x 0.00156; ESP Exome Variant Server 0.00239.
gnomAD v4.1: 367 of 1,614,180 alleles (0.023%); highest among the groups gnomAD compares: African/African-American, 0.44%; no homozygotes.

Submissions (6):

Women's Health and Genetics/Laboratory Corporation of America, LabCorp
Classification: Likely benign. Last evaluated: 2026-02-12. Review status: criteria provided, single submitter. Criteria: LabCorp Variant Classification Summary - May 2015. Collection method: clinical testing. Allele origin: germline.
Comment: Variant summary: SPINK5 c.2885G>A (p.Arg962Lys) results in a conservative amino acid change in the encoded protein sequence. Algorithms developed to predict the effect of missense changes on protein structure and function all suggest that this variant is likely to be tolerated. The variant allele was found at a frequency of 0.00033 in 249514 control chromosomes, predominantly at a frequency of 0.0048 within the African or African-American subpopulation in the gnomAD database. The observed variant frequency within African or African-American control individuals in the gnomAD database exceeds the estimated maximal expected allele frequency for disease-causing variants in SPINK5. To our knowledge, no occurrence of c.2885G>A in individuals affected with SPINK5-related conditions and no experimental evidence demonstrating its impact on protein function have been reported. ClinVar contains an entry for this variant (Variation ID: 529165). Based on the evidence outlined above, the variant was classified as likely benign.

Labcorp Genetics (formerly Invitae), Labcorp
Classification: Likely benign for Ichthyosis linearis circumflexa. Last evaluated: 2026-01-25. Review status: criteria provided, single submitter. Criteria: Invitae Variant Classification Sherloc (09022015). Collection method: clinical testing. Allele origin: germline.

Blueprint Genetics
Classification: Likely benign. Last evaluated: 2024-03-26. Review status: criteria provided, single submitter. Criteria: ACMG Guidelines, 2015. Collection method: clinical testing. Allele origin: germline.

Illumina Laboratory Services, Illumina
Classification: Likely benign for Netherton syndrome. Last evaluated: 2018-01-13. Review status: criteria provided, single submitter. Criteria: ICSL Variant Classification Criteria 13 December 2019. Collection method: clinical testing. Allele origin: germline.
Comment: This variant was observed in the ICSL laboratory as part of a predisposition screen in an ostensibly healthy population. It had not been previously curated by ICSL or reported in the Human Gene Mutation Database (HGMD: prior to June 1st, 2018), and was therefore a candidate for classification through an automated scoring system. Utilizing variant allele frequency, disease prevalence and penetrance estimates, and inheritance mode, an automated score was calculated to assess if this variant is too frequent to cause the disease. Based on the score and internal cut-off values, a variant classified as likely benign is not then subjected to further curation. The score for this variant resulted in a classification of likely benign for this disease.

Breakthrough Genomics
Classification: Likely benign. Review status: criteria provided, single submitter. Criteria: ACMG Guidelines, 2015. Collection method: not provided. Allele origin: germline. Inheritance: Autosomal recessive inheritance. Affected: yes.

PreventionGenetics, part of Exact Sciences
Classification: Likely benign for SPINK5-related condition. Last evaluated: 2022-05-09. Review status: no assertion criteria provided. Collection method: clinical testing. Allele origin: germline. Not counted in ClinVar's aggregate classification.
Comment: This variant is classified as likely benign based on ACMG/AMP sequence variant interpretation guidelines (Richards et al. 2015 PMID: 25741868, with internal and published modifications).